The following is an entry in ClinVar:

NM_001457.4(FLNB):c.864C>T (p.Asp288=)

Gene: FLNB (filamin B; plus strand). Cytogenetic location: 3p14.3.
Variant type: single nucleotide variant.
Coding change: c.864C>T on transcript NM_001457.4 (MANE Select); coding-DNA position 864, C replaced by T.
Protein change: p.Asp288=; no amino-acid change (aspartic acid 288 retained).
Molecular consequence: synonymous variant.
Genome position (GRCh38, 1-based): chr3:58,094,912, C>T. VCF-style: chr3-58094912-C-T. GRCh37 (hg19) VCF-style: chr3-58080639-C-T.
Other names: c.864C>T, p.Asp288= (NM_001164317.2, NM_001164318.2, NM_001164319.2).
Identifiers: ClinVar variation 346306 (VCV000346306.18), dbSNP rs141151998, ClinGen allele CA2467648.
Genomic context (GRCh38, chr3:58,094,912, plus strand): 5'-AAACATGGTGAAGCAGCCAGCCAAGTTCACTGTGGACACCATCAGCGCCGGGCAAGGAGA[C>T]GTGATGGTGTTTGTTGAGGACCCAGAAGGGAACAAAGAGGAGGTATGTTGGAGGATGCTG-3'
Protein context (NP_001448.2, residues 278-298): TVDTISAGQG[Asp288=]VMVFVEDPEG

ClinVar aggregate classification (germline): Conflicting classifications of pathogenicity. Review status: criteria provided, conflicting classifications (1 of 4 stars). 5 submissions from 5 submitters: Uncertain significance (2); Likely benign (2). 1 of the submissions does not count toward it. Last evaluated 2026-01-17.

Conditions:
Connective tissue disorder. Also called: Connective tissue disease. Identifiers: MedGen C0009782, MONDO:0003900.
FLNB-Related Spectrum Disorders.
FLNB-related disorder. Also called: FLNB-related condition; FLNB-related disorders. Identifiers: MedGen CN381095.

Allele frequency attached by ClinVar (database versions not stated): TOPMed 0.00015; gnomAD 0.00017 and 0.00014; ESP Exome Variant Server 0.00008.
gnomAD v4.1: 271 of 1,614,106 alleles (0.017%); highest among the groups gnomAD compares: Middle Eastern, 0.033%; no homozygotes.

Submissions (5):

Labcorp Genetics (formerly Invitae), Labcorp
Classification: Likely benign. Last evaluated: 2026-01-17. Review status: criteria provided, single submitter. Criteria: Invitae Variant Classification Sherloc (09022015). Collection method: clinical testing. Allele origin: germline.

Blueprint Genetics
Classification: Likely benign. Last evaluated: 2024-05-15. Review status: criteria provided, single submitter. Criteria: ACMG Guidelines, 2015. Collection method: clinical testing. Allele origin: germline.

Genome Diagnostics Laboratory, The Hospital for Sick Children
Classification: Uncertain significance for Connective tissue disorder. Last evaluated: 2020-01-01. Review status: criteria provided, single submitter. Criteria: ACMG Guidelines, 2015. Collection method: clinical testing. Allele origin: germline.

Illumina Laboratory Services, Illumina
Classification: Uncertain significance for FLNB-Related Spectrum Disorders. Last evaluated: 2018-01-12. Review status: criteria provided, single submitter. Criteria: ICSL Variant Classification Criteria 13 December 2019. Collection method: clinical testing. Allele origin: germline.

PreventionGenetics, part of Exact Sciences
Classification: Likely benign for FLNB-related condition. Last evaluated: 2020-01-10. Review status: no assertion criteria provided. Collection method: clinical testing. Allele origin: germline. Not counted in ClinVar's aggregate classification.
Comment: This variant is classified as likely benign based on ACMG/AMP sequence variant interpretation guidelines (Richards et al. 2015 PMID: 25741868, with internal and published modifications).